The following is an entry in ClinVar:

ClinVar aggregate classification (germline): Uncertain significance (1 of 4 stars; one submission).

gnomAD v4.1: 5 of 1,499,956 alleles (0.00033%); highest among the groups gnomAD compares: Non-Finnish European, 0.00044%; no homozygotes.

Submission:

Labcorp Genetics (formerly Invitae), Labcorp
Classification: Uncertain significance. Last evaluated: 2024-07-24. Review status: criteria provided, single submitter. Criteria: Invitae Variant Classification Sherloc (09022015). Collection method: clinical testing. Allele origin: germline.
Comment: This sequence change replaces cysteine, which is neutral and slightly polar, with serine, which is neutral and polar, at codon 16 of the LOX protein (p.Cys16Ser). This variant is present in population databases (rs762984867, gnomAD 0.003%). This variant has not been reported in the literature in individuals affected with LOX-related conditions. Advanced modeling of protein sequence and biophysical properties (such as structural, functional, and spatial information, amino acid conservation, physicochemical variation, residue mobility, and thermodynamic stability) performed at Invitae indicates that this missense variant is not expected to disrupt LOX protein function with a negative predictive value of 80%. In summary, the available evidence is currently insufficient to determine the role of this variant in disease. Therefore, it has been classified as a Variant of Uncertain Significance.

NM_002317.7(LOX):c.47G>C (p.Cys16Ser)

Genes: LOX (lysyl oxidase; minus strand), SRFBP1 (serum response factor binding protein 1; plus strand). Cytogenetic location: 5q23.1.
Variant type: single nucleotide variant.
Coding change: c.47G>C on transcript NM_002317.7 (MANE Select); coding-DNA position 47, G replaced by C.
Protein change: p.Cys16Ser; replaces cysteine 16 with serine.
Molecular consequence: missense variant.
Genome position (GRCh38, 1-based): chr5:122,077,939, C>G on the plus strand (G>C on the coding strand, the complement: LOX is on the minus strand). VCF-style: chr5-122077939-C-G. GRCh37 (hg19) VCF-style: chr5-121413634-C-G.
Other names: short protein forms C16S.
Identifiers: ClinVar variation 3622460 (VCV003622460.2).